The following is an entry in ClinVar:

NM_174936.4(PCSK9):c.740_741insTGCGCAGCC (p.Met247delinsIleAlaGlnPro)

Gene: PCSK9 (proprotein convertase subtilisin/kexin type 9; plus strand). Cytogenetic location: 1p32.3.
Variant type: Insertion.
Coding change: c.740_741insTGCGCAGCC on transcript NM_174936.4 (MANE Select); coding-DNA positions 740 to 741, TGCGCAGCC inserted.
Protein change: p.Met247delinsIleAlaGlnPro.
Molecular consequence: inframe indel. On other transcripts: non-coding transcript variant (8).
Genome position: GRCh38 VCF-style: chr1-55052732-T-TTGCGCAGCC. GRCh37 (hg19) VCF-style: chr1-55518405-T-TTGCGCAGCC.
Other names: c.863_864insTGCGCAGCC, p.Met288delinsIleAlaGlnPro (NM_001407240.1); c.740_741insTGCGCAGCC, p.Met247delinsIleAlaGlnPro (NM_001407241.1, NM_001407244.1, NM_001407247.1); c.743_744insTGCGCAGCC, p.Met248delinsIleAlaGlnPro (NM_001407242.1); c.683_684insTGCGCAGCC, p.Met228delinsIleAlaGlnPro (NM_001407243.1); c.548_549insTGCGCAGCC, p.Met183delinsIleAlaGlnPro (NM_001407245.1); c.365_366insTGCGCAGCC, p.Met122delinsIleAlaGlnPro (NM_001407246.1).
Identifiers: ClinVar variation 3070011 (VCV003070011.1), dbSNP rs2523228051, ClinGen allele CA2825000986.

ClinVar aggregate classification (germline): Uncertain significance (1 of 4 stars; one submission).

Conditions:
Hypercholesterolemia, autosomal dominant, 3 (FHCL3). Also called: PCSK9-Related Familial Hypercholesterolemia, Autosomal Dominant; Familial Hypercholesterolemia, Autosomal Dominant, 3; Familial hypercholesterolemia 3. Identifiers: MedGen C1863551, MONDO:0011369, OMIM 603776.

Submission:

All of Us Research Program, National Institutes of Health
Classification: Uncertain significance for Hypercholesterolemia, autosomal dominant, 3. Last evaluated: 2023-03-28. Review status: criteria provided, single submitter. Criteria: ACMG Guidelines, 2015. Collection method: clinical testing. Allele origin: germline. Inheritance: Autosomal dominant inheritance. Observed: 1 variant allele, 1 heterozygote.
Comment: This study involves interpretation of variants in research participants for the purpose of population health screening. Participant phenotype was not available at the time of variant classification. Additional details can be found in publication PMID: 35346344, PMCID: PMC8962531